The following is an entry in ClinVar:

ClinVar aggregate classification (germline): Pathogenic. Review status: criteria provided, single submitter (1 of 4 stars). 2 submissions from 2 submitters: Pathogenic (1). 1 of the submissions does not count toward it. Last evaluated 2024-04-14.

Conditions:
Cone-rod dystrophy and hearing loss 2 (CRDHL2). Identifiers: MedGen C5193051, MONDO:0020780, OMIM 618358.

Allele frequency attached by ClinVar (database versions not stated): gnomAD exomes below 0.00001; gnomAD 0.00001; TOPMed 0.00001; ExAC 0.00002; 1000 Genomes Project 30x 0.00047.

Submissions (2):

Labcorp Genetics (formerly Invitae), Labcorp
Classification: Pathogenic. Last evaluated: 2024-04-14. Review status: criteria provided, single submitter. Criteria: Invitae Variant Classification Sherloc (09022015). Collection method: clinical testing. Allele origin: germline.
Comment: This sequence change creates a premature translational stop signal (p.Gln838Lysfs*18) in the CEP250 gene. It is expected to result in an absent or disrupted protein product. Loss-of-function variants in CEP250 are known to be pathogenic (PMID: 24780881, 29718797). This variant is present in population databases (rs757158876, gnomAD 0.003%). This variant has not been reported in the literature in individuals affected with CEP250-related conditions. ClinVar contains an entry for this variant (Variation ID: 1901883). For these reasons, this variant has been classified as Pathogenic.

OMIM
Classification: Pathogenic for CONE-ROD DYSTROPHY AND HEARING LOSS 2. Last evaluated: 2024-09-09. Review status: no assertion criteria provided. Collection method: literature only. Allele origin: germline. Not counted in ClinVar's aggregate classification.

Literature cited by the submitters: PubMed 24780881 (cited by Labcorp Genetics (formerly Invitae), Labcorp); PubMed 29718797 (cited by Labcorp Genetics (formerly Invitae), Labcorp); PubMed 34223797 (cited by OMIM).

NM_007186.6(CEP250):c.2512del (p.Gln838fs)

Genes: CEP250 (centrosomal protein 250; plus strand), CEP250-AS1 (CEP250 antisense RNA 1; minus strand). Cytogenetic location: 20q11.22.
Variant type: Deletion.
Coding change: c.2512del on transcript NM_007186.6 (MANE Select); coding-DNA position 2512, one base deleted (C; older notation c.2512delC).
Protein change: p.Gln838fs; shifts the reading frame from glutamine 838.
Molecular consequence: frameshift variant.
Genome position (GRCh38, 1-based): chr20:35,480,071, C deleted. VCF-style (leftmost placement, unchanged base first): chr20-35480070-GC-G. GRCh37 (hg19) VCF-style: chr20-34067895-GC-G.
Other names: c.616del, p.Gln206fs (NM_001318219.1); short protein forms Q206fs, Q838fs.
Identifiers: ClinVar variation 1901883 (VCV001901883.5), dbSNP rs757158876, ClinGen allele CA9833203.